The following is an entry in ClinVar:

ClinVar aggregate classification (germline): Uncertain significance. Review status: criteria provided, multiple submitters, no conflicts (2 of 4 stars). 4 submissions from 4 submitters: Uncertain significance (3). 1 of the submissions does not count toward it. Last evaluated 2025-12-17.

Conditions:
Hereditary cancer-predisposing syndrome. Also called: Neoplastic Syndromes, Hereditary; Tumor predisposition; Hereditary neoplastic syndrome; Hereditary Cancer Syndrome. Identifiers: Orphanet 140162, MedGen C0027672, MeSH D009386, MONDO:0015356.
Bloom syndrome (BLM). Also called: Bloom-Torre-Machacek syndrome. Identifiers: Orphanet 125, MedGen C0005859, MONDO:0008876, OMIM 210900.

Allele frequency attached by ClinVar (database versions not stated): gnomAD exomes below 0.00001; TOPMed below 0.00001.
gnomAD v4.1: 4 of 1,614,034 alleles (0.00025%); highest among the groups gnomAD compares: Non-Finnish European, 0.00034%; no homozygotes.

Submissions (4):

Labcorp Genetics (formerly Invitae), Labcorp
Classification: Uncertain significance for Bloom syndrome. Last evaluated: 2025-12-17. Review status: criteria provided, single submitter. Criteria: Invitae Variant Classification Sherloc (09022015). Collection method: clinical testing. Allele origin: germline.
Comment: This sequence change replaces valine, which is neutral and non-polar, with isoleucine, which is neutral and non-polar, at codon 1244 of the BLM protein (p.Val1244Ile). This variant is present in population databases (no rsID available, gnomAD 0.0009%). This variant has not been reported in the literature in individuals affected with BLM-related conditions. ClinVar contains an entry for this variant (Variation ID: 824139). Invitae Evidence Modeling of protein sequence and biophysical properties (such as structural, functional, and spatial information, amino acid conservation, physicochemical variation, residue mobility, and thermodynamic stability) indicates that this missense variant is not expected to disrupt BLM protein function with a negative predictive value of 80%. In summary, the available evidence is currently insufficient to determine the role of this variant in disease. Therefore, it has been classified as a Variant of Uncertain Significance.

Ambry Genetics
Classification: Uncertain significance for Hereditary cancer-predisposing syndrome. Last evaluated: 2024-04-20. Review status: criteria provided, single submitter. Criteria: Ambry Variant Classification Scheme 2023. Collection method: clinical testing. Allele origin: germline.
Comment: The p.V1244I variant (also known as c.3730G>A), located in coding exon 18 of the BLM gene, results from a G to A substitution at nucleotide position 3730. The valine at codon 1244 is replaced by isoleucine, an amino acid with highly similar properties. This amino acid position is poorly conserved in available vertebrate species. In addition, this alteration is predicted to be tolerated by in silico analysis. Since supporting evidence is limited at this time, the clinical significance of this alteration remains unclear.

Revvity Omics, Revvity
Classification: Uncertain significance for Bloom syndrome. Last evaluated: 2023-11-01. Review status: criteria provided, single submitter. Criteria: ACMG Guidelines, 2015. Collection method: clinical testing. Allele origin: germline.

Natera, Inc.
Classification: Uncertain significance for Bloom syndrome. Last evaluated: 2021-09-07. Review status: no assertion criteria provided. Collection method: clinical testing. Allele origin: germline. Not counted in ClinVar's aggregate classification.

NM_000057.4(BLM):c.3730G>A (p.Val1244Ile)

Gene: BLM (BLM RecQ like helicase; plus strand). Cytogenetic location: 15q26.1.
Variant type: single nucleotide variant.
Coding change: c.3730G>A on transcript NM_000057.4 (MANE Select); coding-DNA position 3730, G replaced by A.
Protein change: p.Val1244Ile; replaces valine 1244 with isoleucine.
Molecular consequence: missense variant. On other transcripts: intron variant (1).
Genome position (GRCh38, 1-based): chr15:90,804,338, G>A. VCF-style: chr15-90804338-G-A. GRCh37 (hg19) VCF-style: chr15-91347568-G-A.
Other names: c.3730G>A, p.Val1244Ile (NM_001287246.2); c.2605G>A, p.Val869Ile (NM_001287248.2); c.3359-4799G>A (NM_001287247.2); short protein forms V869I, V1244I.
Identifiers: ClinVar variation 824139 (VCV000824139.19), dbSNP rs1249106324, ClinGen allele CA393848268.